The following is an entry in ClinVar:

NM_000198.4(HSD3B2):c.29C>A (p.Ala10Glu)

Genes: HSD3B2 (hydroxy-delta-5-steroid dehydrogenase, 3 beta- and steroid delta-isomerase 2; plus strand), LOC109029530 (HSD3B2 5' regulatory region; plus strand). Cytogenetic location: 1p12.
Variant type: single nucleotide variant.
Coding change: c.29C>A on transcript NM_000198.4 (MANE Select); coding-DNA position 29, C replaced by A.
Protein change: p.Ala10Glu; replaces alanine 10 with glutamic acid.
Molecular consequence: missense variant.
Genome position (GRCh38, 1-based): chr1:119,415,448, C>A. VCF-style: chr1-119415448-C-A. GRCh37 (hg19) VCF-style: chr1-119958071-C-A.
Other names: c.29C>A, p.Ala10Glu (NM_001166120.2); c.29C>A (NM_000198.3); short protein forms A10E.
Identifiers: ClinVar variation 12188 (VCV000012188.5), dbSNP rs28934880, ClinGen allele CA121927.

ClinVar aggregate classification (germline): Pathogenic/Likely pathogenic. Review status: criteria provided, multiple submitters, no conflicts (2 of 4 stars). 4 submissions from 4 submitters: Pathogenic (1); Likely pathogenic (2). 1 of the submissions does not count toward it. Last evaluated 2025-10-21.

Conditions:
HSD3B2-related disorders.
3 beta-Hydroxysteroid dehydrogenase deficiency. Also called: Congenital adrenal hyperplasia due to 3-beta-hydroxysteroid dehydrogenase deficiency; 3-BETA-HSD DEFICIENCY; ADRENAL HYPERPLASIA II; ADRENAL HYPERPLASIA, CONGENITAL, DUE TO 3-BETA-HYDROXYSTEROID DEHYDROGENASE 2 DEFICIENCY; 3b-hydroxysteroid dehydrogenase deficiency. Identifiers: Orphanet 90791, MedGen C0342471, MeSH C538236, MONDO:0008727, OMIM 201810. Disease mechanism: loss of function.

Allele frequency attached by ClinVar (database versions not stated): gnomAD 0.00001; TOPMed 0.00001.
gnomAD v4.1: 17 of 1,613,774 alleles (0.0011%); highest among the groups gnomAD compares: Non-Finnish European, 0.0014%; no homozygotes.

Submissions (4):

Natera, Inc.
Classification: Likely pathogenic for 3 beta hydroxysteroid dehydrogenase deficiency. Last evaluated: 2025-10-21. Review status: criteria provided, single submitter. Criteria: Natera Variant Classification Schema (03/2026). Collection method: clinical testing. Allele origin: germline.
Comment: The c.29C>A variant in HSD3B2 is a missense variant predicted to cause substitution of alanine to glutamic acid at amino acid 10. This variant is rare in the general population with a frequency below the threshold expected for the associated phenotype(s). This variant has been observed in one or more individuals affected with the associated recessive disease, as either homozygous or compound heterozygous with a second variant (PMID: 10843183). Functional studies show that this variant may disrupt protein function (PMID: 10843183, 15632317). Computational prediction algorithms indicate this variant is likely to affect gene or protein function. Given the available evidence, this variant is classified as Likely Pathogenic.

Blueprint Genetics
Classification: Pathogenic for HSD3B2-related disorders. Last evaluated: 2024-06-19. Review status: criteria provided, single submitter. Criteria: ACMG Guidelines, 2015. Collection method: clinical testing. Allele origin: germline. Affected: yes. Observed: 5 variant alleles.

Fulgent Genetics
Classification: Likely pathogenic for 3 beta-Hydroxysteroid dehydrogenase deficiency. Last evaluated: 2022-05-14. Review status: criteria provided, single submitter. Criteria: ACMG Guidelines, 2015. Collection method: clinical testing. Allele origin: unknown.

OMIM
Classification: Pathogenic for ADRENAL HYPERPLASIA, CONGENITAL, DUE TO 3-BETA-HYDROXYSTEROID DEHYDROGENASE 2 DEFICIENCY. Last evaluated: 2000-05-01. Review status: no assertion criteria provided. Collection method: literature only. Allele origin: germline. Not counted in ClinVar's aggregate classification.

Literature cited by the submitters: PubMed 10843183 (cited by Natera, Inc. and OMIM); PubMed 15632317 (cited by Natera, Inc.).